The following is an entry in ClinVar:

ClinVar aggregate classification (germline): Pathogenic. Review status: criteria provided, multiple submitters, no conflicts (2 of 4 stars). 3 submissions from 3 submitters: Pathogenic (3). Last evaluated 2025-12-01.

Conditions:
Developmental and epileptic encephalopathy, 54. Also called: HNRNPU-Related Neurodevelopmental Disorder; Epileptic encephalopathy, early infantile, 54. Identifiers: MedGen C4479319, MONDO:0033363, OMIM 617391.

Submissions (3):

CeGaT Center for Human Genetics Tuebingen
Classification: Pathogenic. Last evaluated: 2025-12-01. Review status: criteria provided, single submitter. Criteria: CeGaT Center For Human Genetics Tuebingen Variant Classification Criteria Version 2. Collection method: clinical testing. Allele origin: germline. Affected: yes. Observed: 1 variant allele.
Comment: HNRNPU: PVS1:Strong, PM2, PM6, PS4:Moderate

GeneDx
Classification: Pathogenic. Last evaluated: 2023-08-23. Review status: criteria provided, single submitter. Criteria: GeneDx Variant Classification Process June 2021. Collection method: clinical testing. Allele origin: germline. Affected: yes.
Comment: Observed in the heterozygous state in patients with epilepsy in the published literature (Truty et al., 2019); Nonsense variant predicted to result in protein truncation [or nonsense mediated decay] in a gene for which loss of function is a known mechanism of disease; Not observed at significant frequency in large population cohorts (gnomAD); This variant is associated with the following publications: (PMID: 33874999, 31440721)

Labcorp Genetics (formerly Invitae), Labcorp
Classification: Pathogenic for Developmental and epileptic encephalopathy, 54. Last evaluated: 2018-07-15. Review status: criteria provided, single submitter. Criteria: Invitae Variant Classification Sherloc (09022015). Collection method: clinical testing. Allele origin: germline.
Comment: This sequence change creates a premature translational stop signal (p.Gln161*) in the HNRNPU gene. It is expected to result in an absent or disrupted protein product. This variant is not present in population databases (ExAC no frequency). This variant has not been reported in the literature in individuals with HNRNPU-related disease. Loss-of-function variants in HNRNPU are known to be pathogenic (PMID: 22678713, 28283832). For these reasons, this variant has been classified as Pathogenic.

Literature cited by the submitters: PubMed 22678713 (cited by Labcorp Genetics (formerly Invitae), Labcorp); PubMed 28283832 (cited by Labcorp Genetics (formerly Invitae), Labcorp).

NM_031844.3(HNRNPU):c.481C>T (p.Gln161Ter)

Gene: HNRNPU (heterogeneous nuclear ribonucleoprotein U; minus strand). Cytogenetic location: 1q44.
Variant type: single nucleotide variant.
Coding change: c.481C>T on transcript NM_031844.3 (MANE Select); coding-DNA position 481, C replaced by T.
Protein change: p.Gln161Ter; replaces glutamine 161 with a stop codon.
Molecular consequence: nonsense.
Genome position (GRCh38, 1-based): chr1:244,863,827, G>A on the plus strand (C>T on the coding strand, the complement: HNRNPU is on the minus strand). VCF-style: chr1-244863827-G-A. GRCh37 (hg19) VCF-style: chr1-245027129-G-A.
Other names: c.481C>T, p.Gln161Ter (NM_004501.3); short protein forms Q161*.
Identifiers: ClinVar variation 446393 (VCV000446393.12), dbSNP rs1553283899, ClinGen allele CA345496906.